The following is an entry in ClinVar:

NM_207034.3(EDN3):c.246G>T (p.Glu82Asp)

Gene: EDN3 (endothelin 3; plus strand). Cytogenetic location: 20q13.32.
Variant type: single nucleotide variant.
Coding change: c.246G>T on transcript NM_207034.3 (MANE Select); coding-DNA position 246, G replaced by T.
Protein change: p.Glu82Asp; replaces glutamic acid 82 with aspartic acid.
Molecular consequence: missense variant.
Genome position (GRCh38, 1-based): chr20:59,301,603, G>T. VCF-style: chr20-59301603-G-T. GRCh37 (hg19) VCF-style: chr20-57876658-G-T.
Other names: c.246G>T, p.Glu82Asp (NM_001302455.2, NM_001302456.2, NM_207032.3 and 1 more transcripts); c.246G>T (NM_207034.2); short protein forms E82D.
Identifiers: ClinVar variation 2217215 (VCV002217215.3), dbSNP rs1312988244, ClinGen allele CA409706925.

ClinVar aggregate classification (germline): Uncertain significance. Review status: criteria provided, single submitter (1 of 4 stars). 2 submissions from 2 submitters: Uncertain significance (1). 1 of the submissions does not count toward it. Last evaluated 2021-10-13.

Conditions:
Inborn genetic diseases. Identifiers: MedGen C0950123, MeSH D030342.
EDN3-related disorder. Also called: EDN3-related condition.

Allele frequency attached by ClinVar (database versions not stated): gnomAD 0.00001; gnomAD exomes 0.00001; TOPMed 0.00002.
gnomAD v4.1: 4 of 1,613,964 alleles (0.00025%); highest among the groups gnomAD compares: Non-Finnish European, 0.00034%; no homozygotes.

Submissions (2):

Ambry Genetics
Classification: Uncertain significance for Inborn genetic diseases. Last evaluated: 2021-10-13. Review status: criteria provided, single submitter. Criteria: Ambry Variant Classification Scheme 2023. Collection method: clinical testing. Allele origin: germline.

PreventionGenetics, part of Exact Sciences
Classification: Uncertain significance for EDN3-related condition. Last evaluated: 2024-07-29. Review status: no assertion criteria provided. Collection method: clinical testing. Allele origin: germline. Not counted in ClinVar's aggregate classification.
Comment: The EDN3 c.246G>T variant is predicted to result in the amino acid substitution p.Glu82Asp. To our knowledge, this variant has not been reported in the literature or in a large population database, indicating this variant is rare. At this time, the clinical significance of this variant is uncertain due to the absence of conclusive functional and genetic evidence.